The following is an entry in ClinVar:

ClinVar aggregate classification (germline): Uncertain significance. Review status: criteria provided, multiple submitters, no conflicts (2 of 4 stars). 4 submissions from 4 submitters: Uncertain significance (3). 1 of the submissions does not count toward it. Last evaluated 2025-04-30.

Conditions:
Cardiovascular phenotype. Identifiers: MedGen CN230736.
Catecholaminergic polymorphic ventricular tachycardia 5 (CARDAR). Also called: CARDIAC ARRHYTHMIA SYNDROME, WITH OR WITHOUT SKELETAL MUSCLE WEAKNESS; Ventricular tachycardia, catecholaminergic polymorphic, 5, with or without muscle weakness. Identifiers: Orphanet 3286, MedGen C3809536, MONDO:0014191, OMIM 615441.
Catecholaminergic polymorphic ventricular tachycardia 1. Also called: RYR2-Related Catecholaminergic Polymorphic Ventricular Tachycardia; VENTRICULAR TACHYCARDIA, STRESS-INDUCED POLYMORPHIC 1; VENTRICULAR TACHYCARDIA, CATECHOLAMINERGIC POLYMORPHIC, 1, WITH OR WITHOUT ATRIAL DYSFUNCTION AND/OR DILATED CARDIOMYOPATHY. Identifiers: Orphanet 3286, MedGen C1631597, MONDO:0011484, OMIM 604772.

Submissions (4):

Ambry Genetics
Classification: Uncertain significance for Cardiovascular phenotype. Last evaluated: 2025-04-30. Review status: criteria provided, single submitter. Criteria: Ambry Variant Classification Scheme 2023. Collection method: clinical testing. Allele origin: germline.
Comment: The c.1900_1903delGAAA variant, located in coding exon 36 of the TRDN gene, results from a deletion of 4 nucleotides at nucleotide positions 1900 to 1903, causing a translational frameshift with a predicted alternate stop codon (p.E634Kfs*14). This alteration is expected to result in loss of function by premature protein truncation or nonsense-mediated mRNA decay. However, this alteration does not impact the predominant cardiac isoform of TRDN (NM_001256021.1; Kobayashi YM et al. J. Biol. Chem., 1999 Oct;274:28660-8). Since supporting evidence is limited at this time, the clinical significance of this alteration remains unclear.

Labcorp Genetics (formerly Invitae), Labcorp
Classification: Uncertain significance for Catecholaminergic polymorphic ventricular tachycardia 1. Last evaluated: 2024-01-15. Review status: criteria provided, single submitter. Criteria: Invitae Variant Classification Sherloc (09022015). Collection method: clinical testing. Allele origin: germline.
Comment: This sequence change creates a premature translational stop signal (p.Glu634Lysfs*14) in the TRDN gene. However, it is currently unclear if variants that occur in this region of the gene cause disease. This variant is present in population databases (rs750469686, gnomAD 0.05%). This variant has not been reported in the literature in individuals affected with TRDN-related conditions. ClinVar contains an entry for this variant (Variation ID: 423985). Algorithms developed to predict the effect of sequence changes on RNA splicing suggest that this variant may disrupt the consensus splice site. In summary, the available evidence is currently insufficient to determine the role of this variant in disease. Therefore, it has been classified as a Variant of Uncertain Significance.

Clinical Genomics Laboratory, Stanford Medicine
Classification: Uncertain significance for Catecholaminergic polymorphic ventricular tachycardia 5. Last evaluated: 2023-02-13. Review status: criteria provided, single submitter. Criteria: ACMG Guidelines, 2015. Collection method: clinical testing. Allele origin: germline. Observed: 1 variant allele, 1 heterozygote.
Comment: The p.Glu634Lysfs*14 variant in the TRDN gene has not been previously reported in association with disease. This variant has been identified in 6/11,420 African/African American chromosomes (6/104,104 chromosomes overall) by the Genome Aggregation Database. Notably, allele frequency information may be unreliable as this variant is indicated to have poor coverage. This variant is present in ClinVar (Variation ID: 423985). This variant results in a 4 bp deletion in exon 36 of 41 exons, causing a shift in the protein reading frame leading to a premature termination codon 14 amino acids downstream, and is therefore predicted to undergo nonsense-mediated decay resulting in a truncated or absent protein. However, alternative splicing results in multiple tissue-specific isoforms, and the isoform mainly expressed in cardiac muscle is not predicted to be affected (Kobayashi and Jones, 1999). Loss of function is an established mechanism of disease for the TRDN gene (Altmann et al., 2015). These data were assessed using the ACMG/AMP variant interpretation guidelines. In summary, the significance of the p.Glu634Lysfs*14 variant is uncertain. Additional information is needed to resolve the significance of this variant. [ACMG evidence codes used: PVS1_Moderate]

GeneDx
Classification: Likely pathogenic. Last evaluated: 2017-03-06. Review status: flagged submission. Criteria: GeneDx Variant Classification (06012015). Collection method: clinical testing. Allele origin: germline. Affected: yes. Not counted in ClinVar's aggregate classification.
Comment: Although the c.1900_1903delGAAA likely pathogenic variant in the TRDN gene has not been reported to our knowledge, this variant causes a shift in reading frame starting at codon glutamine 634, changing it to a lysine, and creating a premature stop codon at position 14 of the new reading frame, denoted p.Glu364LysfsX14. This likely pathogenic variant is expected to result in either an abnormal, truncated protein product or loss of protein from this allele through nonsense-mediated mRNA decay. Other frameshift variants in the TRDN gene have been reported in Human Gene Mutation Database in association with arrhythmia (Stenson et al., 2014), indicating that loss of function is a mechanism of disease for this gene. Furthermore, the c.1900_1903delGAAA variant has not been observed in large population cohorts (Lek et al., 2016; 1000 Genomes Consortium et al., 2015; Exome Variant Server).
ClinVar note: Notes: This variant occurs in exons 9-41 of the MANE Select NM_006073.4 transcript but no valid P/LP variants have been reported due to the predominant transcript in cardiac tissue being one with only 8 exons (NM_001256021.1). Please provide evidence to support this claim.
ClinVar note: Reason: Claim with insufficient supporting evidence

Literature cited by the submitters: PubMed 33432171 (cited by Ambry Genetics); PubMed 10497235 (cited by Clinical Genomics Laboratory, Stanford Medicine); PubMed 25922419 (cited by Clinical Genomics Laboratory, Stanford Medicine).

NM_006073.4(TRDN):c.1900_1903del (p.Glu634fs)

Gene: TRDN (triadin; minus strand). Cytogenetic location: 6q22.31.
Variant type: Deletion.
Coding change: c.1900_1903del on transcript NM_006073.4 (MANE Select); coding-DNA positions 1900 to 1903, 4 bases deleted (GAAA; older notation c.1900_1903delGAAA).
Protein change: p.Glu634fs; shifts the reading frame from glutamic acid 634.
Molecular consequence: frameshift variant.
Genome position (GRCh38, 1-based): chr6:123,255,870-123,255,873, TTTC deleted on the plus strand (GAAA on the coding strand, the reverse complement: TRDN is on the minus strand); deleting any 4 consecutive bases within chr6:123,255,870-123,255,875 gives the same sequence; the c. name uses the placement nearest the transcript's 3' end. VCF-style (leftmost placement, unchanged base first): chr6-123255869-TTTTC-T. GRCh37 (hg19) VCF-style: chr6-123577014-TTTTC-T.
Other names: c.1900_1903del (NM_006073.3); c.1900_1903delGAAA (NM_006073.4); short protein forms E634fs.
Identifiers: ClinVar variation 423985 (VCV000423985.12), dbSNP rs750469686, ClinGen allele CA3983704.